The following is an entry in ClinVar:

NM_002887.4(RARS1):c.1650T>C (p.Ile550=)

Gene: RARS1 (arginyl-tRNA synthetase 1; plus strand). Cytogenetic location: 5q34.
Variant type: single nucleotide variant.
Coding change: c.1650T>C on transcript NM_002887.4 (MANE Select); coding-DNA position 1650, T replaced by C.
Protein change: p.Ile550=; no amino-acid change (isoleucine 550 retained).
Molecular consequence: synonymous variant.
Genome position (GRCh38, 1-based): chr5:168,517,839, T>C. VCF-style: chr5-168517839-T-C. GRCh37 (hg19) VCF-style: chr5-167944844-T-C.
Identifiers: ClinVar variation 514452 (VCV000514452.9), dbSNP rs148979953, ClinGen allele CA3549988.

ClinVar aggregate classification (germline): Likely benign. Review status: criteria provided, multiple submitters, no conflicts (2 of 4 stars). 2 submissions from 2 submitters: Likely benign (2). Last evaluated 2025-12-03.

Allele frequency attached by ClinVar (database versions not stated): gnomAD exomes 0.00013; ExAC 0.00015; TOPMed 0.00038; gnomAD 0.00056 and 0.00059; 1000 Genomes Project 30x 0.00062; 1000 Genomes Project 0.00080; ESP Exome Variant Server 0.00085.
gnomAD v4.1: 153 of 1,613,822 alleles (0.0095%); highest among the groups gnomAD compares: African/African-American, 0.19%; no homozygotes.

Submissions (2):

Labcorp Genetics (formerly Invitae), Labcorp
Classification: Likely benign. Last evaluated: 2025-12-03. Review status: criteria provided, single submitter. Criteria: Invitae Variant Classification Sherloc (09022015). Collection method: clinical testing. Allele origin: germline.

GeneDx
Classification: Likely benign. Last evaluated: 2018-01-22. Review status: criteria provided, single submitter. Criteria: GeneDx Variant Classification (06012015). Collection method: clinical testing. Allele origin: germline. Affected: yes.
Comment: This variant is considered likely benign or benign based on one or more of the following criteria: it is a conservative change, it occurs at a poorly conserved position in the protein, it is predicted to be benign by multiple in silico algorithms, and/or has population frequency not consistent with disease.